The following is an entry in ClinVar:

NM_015076.5(CDK19):c.-1A>G

Genes: CDK19 (cyclin dependent kinase 19; minus strand), AMD1 (adenosylmethionine decarboxylase 1; plus strand). Cytogenetic location: 6q21.
Variant type: single nucleotide variant.
Coding change: c.-1A>G on transcript NM_015076.5 (MANE Select); 1 bases upstream of the start codon, A replaced by G.
Molecular consequence: 5 prime UTR variant. On other transcripts: intron variant (3).
Genome position (GRCh38, 1-based): chr6:110,815,137, T>C on the plus strand (A>G on the coding strand, the complement: CDK19 is on the minus strand). VCF-style: chr6-110815137-T-C. GRCh37 (hg19) VCF-style: chr6-111136340-T-C.
Other names: c.-1A>G (NM_001300960.2); c.-53+671A>G (NM_001300964.2); c.-115+434A>G (NM_001300963.2); c.-98+322T>C (NM_001287215.2).
Identifiers: ClinVar variation 4536549 (VCV004536549.1).

ClinVar aggregate classification (germline): Uncertain significance (1 of 4 stars; one submission).

gnomAD v4.1: 6 of 1,593,018 alleles (0.00038%); highest among the groups gnomAD compares: Non-Finnish European, 0.00051%; no homozygotes.

Submission:

GeneDx
Classification: Uncertain significance. Last evaluated: 2025-06-06. Review status: criteria provided, single submitter. Criteria: GeneDx Variant Classification Process June 2021. Collection method: clinical testing. Allele origin: germline. Affected: yes.
Comment: Not observed at significant frequency in large population cohorts (gnomAD); Located in a regulatory region; in the absence of functional studies, the actual effect of this sequence change is unknown; Has not been previously published as pathogenic or benign to our knowledge